The following is an entry in ClinVar:

NM_001365999.1(SZT2):c.259G>A (p.Val87Ile)

Gene: SZT2 (SZT2 subunit of KICSTOR complex; plus strand). Cytogenetic location: 1p34.2.
Variant type: single nucleotide variant.
Coding change: c.259G>A on transcript NM_001365999.1 (MANE Select); coding-DNA position 259, G replaced by A.
Protein change: p.Val87Ile; replaces valine 87 with isoleucine.
Molecular consequence: missense variant.
Genome position (GRCh38, 1-based): chr1:43,403,706, G>A. VCF-style: chr1-43403706-G-A. GRCh37 (hg19) VCF-style: chr1-43869377-G-A.
Other names: c.259G>A, p.Val87Ile (NM_015284.4); short protein forms V87I.
Identifiers: ClinVar variation 1793619 (VCV001793619.3), dbSNP rs1193615889, ClinGen allele CA339996191.
Genomic context (GRCh38, chr1:43,403,706, plus strand): 5'-GGGTGGCAGCCAGATGAACCAGTGGTCCCAAGGCCATTCCTCCTGGTACCTTCCACCCGG[G>A]TCACCTTCCTGGCTTGGCAGTATCGGTTTGTCATTGAGTTGGACCTTAGCCCATCTACTG-3'
Protein context (NP_001352928.1, residues 77-97): RPFLLVPSTR[Val87Ile]TFLAWQYRFV

ClinVar aggregate classification (germline): Uncertain significance. Review status: criteria provided, multiple submitters, no conflicts (2 of 4 stars). 2 submissions from 2 submitters: Uncertain significance (2). Last evaluated 2025-08-03.

Conditions:
Inborn genetic diseases. Identifiers: MedGen C0950123, MeSH D030342.

Allele frequency attached by ClinVar (database versions not stated): gnomAD 0.00001.

Submissions (2):

Labcorp Genetics (formerly Invitae), Labcorp
Classification: Uncertain significance. Last evaluated: 2025-08-03. Review status: criteria provided, single submitter. Criteria: Invitae Variant Classification Sherloc (09022015). Collection method: clinical testing. Allele origin: germline.
Comment: This sequence change replaces valine, which is neutral and non-polar, with isoleucine, which is neutral and non-polar, at codon 87 of the SZT2 protein (p.Val87Ile). This variant is not present in population databases (gnomAD no frequency). This variant has not been reported in the literature in individuals affected with SZT2-related conditions. ClinVar contains an entry for this variant (Variation ID: 1793619). Invitae Evidence Modeling of protein sequence and biophysical properties (such as structural, functional, and spatial information, amino acid conservation, physicochemical variation, residue mobility, and thermodynamic stability) indicates that this missense variant is not expected to disrupt SZT2 protein function with a negative predictive value of 80%. In summary, the available evidence is currently insufficient to determine the role of this variant in disease. Therefore, it has been classified as a Variant of Uncertain Significance.

Ambry Genetics
Classification: Uncertain significance for Inborn genetic diseases. Last evaluated: 2019-10-07. Review status: criteria provided, single submitter. Criteria: Ambry Variant Classification Scheme 2023. Collection method: clinical testing. Allele origin: germline.
Comment: The p.V87I variant (also known as c.259G>A), located in coding exon 3 of the SZT2 gene, results from a G to A substitution at nucleotide position 259. The valine at codon 87 is replaced by isoleucine, an amino acid with highly similar properties. This amino acid position is well conserved in available vertebrate species. In addition, this alteration is predicted to be tolerated by in silico analysis. Since supporting evidence is limited at this time, the clinical significance of this alteration remains unclear.